The following is an entry in ClinVar:

ClinVar aggregate classification (germline): Uncertain significance (1 of 4 stars; one submission).

Conditions:
Emery-Dreifuss muscular dystrophy (EDMD). Also called: Scapuloperoneal syndrome, X-linked (formerly); Humeroperoneal neuromuscular disease, (formerly). Identifiers: MedGen C0410189, MONDO:0016830, Orphanet 261.

Submission:

Labcorp Genetics (formerly Invitae), Labcorp
Classification: Uncertain significance for Emery-Dreifuss muscular dystrophy. Last evaluated: 2023-08-24. Review status: criteria provided, single submitter. Criteria: Invitae Variant Classification Sherloc (09022015). Collection method: clinical testing. Allele origin: unknown.
Comment: A copy number gain of the genomic region encompassing the full coding sequence of the SUN1 gene has been identified. The boundaries of this event are unknown as they extend beyond the assayed region for this gene and therefore may encompass additional genes. As the precise location of this event is unknown, it may be in tandem or it may be located elsewhere in the genome. This variant has not been reported in the literature in individuals affected with SUN1-related conditions. In summary, the available evidence is currently insufficient to determine the role of this variant in disease. Therefore, it has been classified as a Variant of Uncertain Significance.

NC_000007.13:g.(?_872162)_(912968_?)dup

Gene: SUN1 (Sad1 and UNC84 domain containing 1; plus strand). Cytogenetic location: 7p22.3.
Variant type: Duplication.
Identifiers: ClinVar variation 3245725 (VCV003245725.1).